The following is an entry in ClinVar:

NM_000045.4(ARG1):c.929G>T (p.Gly310Val)

Genes: ARG1 (arginase 1; plus strand), MED23 (mediator complex subunit 23; minus strand). Cytogenetic location: 6q23.2.
Variant type: single nucleotide variant.
Coding change: c.929G>T on transcript NM_000045.4 (MANE Select); coding-DNA position 929, G replaced by T.
Protein change: p.Gly310Val; replaces glycine 310 with valine.
Molecular consequence: missense variant. On other transcripts: non-coding transcript variant (1), intron variant (2).
Genome position (GRCh38, 1-based): chr6:131,583,868, G>T. VCF-style: chr6-131583868-G-T. GRCh37 (hg19) VCF-style: chr6-131905008-G-T.
Other names: c.953G>T, p.Gly318Val (NM_001244438.2); c.674G>T, p.Gly225Val (NM_001369020.1); c.4077+3841C>A (NM_001270521.2); c.4095+3841C>A (NM_015979.4); short protein forms G225V, G310V, G318V.
Identifiers: ClinVar variation 2191472 (VCV002191472.4), dbSNP rs2482392181, ClinGen allele CA365653725.

ClinVar aggregate classification (germline): Uncertain significance. Review status: criteria provided, multiple submitters, no conflicts (2 of 4 stars). 2 submissions from 2 submitters: Uncertain significance (2). Last evaluated 2025-05-17.

Conditions:
Arginase deficiency. Also called: Arginase 1 Deficiency; ARGININEMIA; ARG1 DEFICIENCY. Identifiers: Orphanet 90, MedGen C0268548, MONDO:0008814, OMIM 207800.
Inborn genetic diseases. Identifiers: MedGen C0950123, MeSH D030342.

Submissions (2):

Ambry Genetics
Classification: Uncertain significance for Inborn genetic diseases. Last evaluated: 2025-05-17. Review status: criteria provided, single submitter. Criteria: Ambry Variant Classification Scheme 2023. Collection method: clinical testing. Allele origin: germline.

Labcorp Genetics (formerly Invitae), Labcorp
Classification: Uncertain significance for Arginase deficiency. Last evaluated: 2025-02-03. Review status: criteria provided, single submitter. Criteria: Invitae Variant Classification Sherloc (09022015). Collection method: clinical testing. Allele origin: germline.
Comment: This sequence change replaces glycine, which is neutral and non-polar, with valine, which is neutral and non-polar, at codon 310 of the ARG1 protein (p.Gly310Val). This variant is not present in population databases (gnomAD no frequency). This variant has not been reported in the literature in individuals affected with ARG1-related conditions. ClinVar contains an entry for this variant (Variation ID: 2191472). An algorithm developed to predict the effect of missense changes on protein structure and function (PolyPhen-2) suggests that this variant is likely to be disruptive. Algorithms developed to predict the effect of sequence changes on RNA splicing suggest that this variant may create or strengthen a splice site. In summary, the available evidence is currently insufficient to determine the role of this variant in disease. Therefore, it has been classified as a Variant of Uncertain Significance.